The following is an entry in ClinVar:

ClinVar aggregate classification (germline): Uncertain significance. Review status: criteria provided, multiple submitters, no conflicts (2 of 4 stars). 3 submissions from 3 submitters: Uncertain significance (3). Last evaluated 2024-04-16.

Conditions:
Familial hypercholesterolemia. Also called: Familial hypercholesterolemias; Familial hypercholesterolaemia. Identifiers: MedGen C0020445, MONDO:0005439.
Hypercholesterolemia, autosomal dominant, 3 (FHCL3). Also called: Familial Hypercholesterolemia, Autosomal Dominant, 3; PCSK9-Related Familial Hypercholesterolemia, Autosomal Dominant; Familial hypercholesterolemia 3. Identifiers: MedGen C1863551, MONDO:0011369, OMIM 603776.

Allele frequency attached by ClinVar (database versions not stated): gnomAD 0.00001 and 0.00002; TOPMed 0.00002.
gnomAD v4.1: 14 of 1,564,040 alleles (0.0009%); highest among the groups gnomAD compares: Non-Finnish European, 0.0011%; no homozygotes.

Submissions (3):

All of Us Research Program, National Institutes of Health
Classification: Uncertain significance for Hypercholesterolemia, autosomal dominant, 3. Last evaluated: 2024-04-16. Review status: criteria provided, single submitter. Criteria: ACMG Guidelines, 2015. Collection method: clinical testing. Allele origin: germline. Inheritance: Autosomal dominant inheritance. Observed: 9 variant alleles, 9 heterozygotes.
Comment: This missense variant replaces arginine with tryptophan at codon 8 of the PCSK9 protein. Computational prediction suggests that this variant may not impact protein structure and function (internally defined REVEL score threshold <= 0.5, PMID: 27666373). To our knowledge, functional studies have not been reported for this variant. This variant has not been reported in individuals affected with familial hypercholesterolemia in the literature. This variant has been identified in 1/192472 chromosomes in the general population by the Genome Aggregation Database (gnomAD). The available evidence is insufficient to determine the role of this variant in disease conclusively. Therefore, this variant is classified as a Variant of Uncertain Significance.

This study involves interpretation of variants in research participants for the purpose of population health screening. Participant phenotype was not available at the time of variant classification. Additional details can be found in publication PMID: 35346344, PMCID: PMC8962531

Color Diagnostics, LLC DBA Color Health
Classification: Uncertain significance for Familial hypercholesterolemia. Last evaluated: 2024-03-06. Review status: criteria provided, single submitter. Criteria: ACMG Guidelines, 2015. Collection method: clinical testing. Allele origin: germline.
Comment: This missense variant replaces arginine with tryptophan at codon 8 of the PCSK9 protein. Computational prediction suggests that this variant may not impact protein structure and function (internally defined REVEL score threshold <= 0.5, PMID: 27666373). To our knowledge, functional studies have not been reported for this variant. This variant has not been reported in individuals affected with familial hypercholesterolemia in the literature. This variant has been identified in 1/192472 chromosomes in the general population by the Genome Aggregation Database (gnomAD). The available evidence is insufficient to determine the role of this variant in disease conclusively. Therefore, this variant is classified as a Variant of Uncertain Significance.

Labcorp Genetics (formerly Invitae), Labcorp
Classification: Uncertain significance for Hypercholesterolemia, autosomal dominant, 3. Last evaluated: 2024-01-29. Review status: criteria provided, single submitter. Criteria: Invitae Variant Classification Sherloc (09022015). Collection method: clinical testing. Allele origin: germline.
Comment: This sequence change replaces arginine, which is basic and polar, with tryptophan, which is neutral and slightly polar, at codon 8 of the PCSK9 protein (p.Arg8Trp). This variant is present in population databases (no rsID available, gnomAD 0.001%). This variant has not been reported in the literature in individuals affected with PCSK9-related conditions. ClinVar contains an entry for this variant (Variation ID: 628031). Advanced modeling of protein sequence and biophysical properties (such as structural, functional, and spatial information, amino acid conservation, physicochemical variation, residue mobility, and thermodynamic stability) performed at Invitae indicates that this missense variant is not expected to disrupt PCSK9 protein function with a negative predictive value of 95%. In summary, the available evidence is currently insufficient to determine the role of this variant in disease. Therefore, it has been classified as a Variant of Uncertain Significance.

NM_174936.4(PCSK9):c.22C>T (p.Arg8Trp)

Gene: PCSK9 (proprotein convertase subtilisin/kexin type 9; plus strand). Cytogenetic location: 1p32.3.
Variant type: single nucleotide variant.
Coding change: c.22C>T on transcript NM_174936.4 (MANE Select); coding-DNA position 22, C replaced by T.
Protein change: p.Arg8Trp; replaces arginine 8 with tryptophan.
Molecular consequence: missense variant.
Genome position (GRCh38, 1-based): chr1:55,039,859, C>T. VCF-style: chr1-55039859-C-T. GRCh37 (hg19) VCF-style: chr1-55505532-C-T.
Other names: short protein forms R8W.
Identifiers: ClinVar variation 628031 (VCV000628031.10), dbSNP rs1426361407, ClinGen allele CA340482623.